The following is an entry in ClinVar:

ClinVar aggregate classification (germline): Conflicting classifications of pathogenicity. Review status: criteria provided, conflicting classifications (1 of 4 stars). 6 submissions from 6 submitters: Uncertain significance (5); Likely benign (1). Last evaluated 2026-01-18.

Conditions:
Osteofibrous dysplasia (OSFD). Also called: Tibia, bowing of, with pseudarthrosis and pectus excavatum. Identifiers: Orphanet 488265, MedGen C4085248, MONDO:0011806, OMIM 607278.
Hepatocellular carcinoma (HCC). Also called: Primary carcinoma of liver; HEPATOMA; LIVER CELL CARCINOMA. Identifiers: Orphanet 88673, MedGen C2239176, MONDO:0007256, OMIM 114550, HP:0001402.
Papillary renal cell carcinoma type 1 (RCCP1). Also called: Renal adenocarcinoma; Renal cell carcinoma 1; Renal cell carcinoma, somatic; RENAL CELL CARCINOMA, PAPILLARY, 1, SOMATIC. Identifiers: Orphanet 47044, MedGen C1336839, OMIM 605074, HP:0011797.
Autosomal recessive nonsyndromic hearing loss 97. Also called: Deafness, autosomal recessive 97. Identifiers: Orphanet 90636, MedGen C4084709, MONDO:0014739, OMIM 616705.
Arthrogryposis, distal, IIa 11. Also called: Arthrogryposis, distal, type 11. Identifiers: MedGen C5774205, MONDO:0031045, OMIM 620019.
Renal cell carcinoma. Identifiers: Orphanet 217071, MedGen C0007134, MeSH D002292, MONDO:0005086, HP:0005584.
Hereditary cancer-predisposing syndrome. Also called: Hereditary neoplastic syndrome; Tumor predisposition; Hereditary Cancer Syndrome; Neoplastic Syndromes, Hereditary. Identifiers: Orphanet 140162, MedGen C0027672, MeSH D009386, MONDO:0015356.

Allele frequency attached by ClinVar (database versions not stated): gnomAD exomes 0.00002; ExAC 0.00003.
gnomAD v4.1: 18 of 1,614,102 alleles (0.0011%); highest among the groups gnomAD compares: Middle Eastern, 0.016%; no homozygotes.

Submissions (6):

Labcorp Genetics (formerly Invitae), Labcorp
Classification: Uncertain significance for Renal cell carcinoma. Last evaluated: 2026-01-18. Review status: criteria provided, single submitter. Criteria: Invitae Variant Classification Sherloc (09022015). Collection method: clinical testing. Allele origin: germline.
Comment: This sequence change replaces arginine, which is basic and polar, with glutamine, which is neutral and polar, at codon 1400 of the MET protein (p.Arg1400Gln). This variant is present in population databases (rs752694306, gnomAD 0.01%). This variant has not been reported in the literature in individuals affected with MET-related conditions. ClinVar contains an entry for this variant (Variation ID: 220057). Experimental studies and prediction algorithms are not available or were not evaluated, and the functional significance of this variant is currently unknown. In summary, the available evidence is currently insufficient to determine the role of this variant in disease. Therefore, it has been classified as a Variant of Uncertain Significance.

Center for Genomic Medicine, Rigshospitalet, Copenhagen University Hospital
Classification: Uncertain significance. Last evaluated: 2025-03-04. Review status: criteria provided, single submitter. Criteria: ACMG Guidelines, 2015. Collection method: clinical testing. Allele origin: germline.

GeneDx
Classification: Uncertain significance. Last evaluated: 2023-09-29. Review status: criteria provided, single submitter. Criteria: GeneDx Variant Classification Process June 2021. Collection method: clinical testing. Allele origin: germline. Affected: yes.
Comment: Not observed at significant frequency in large population cohorts (gnomAD); In silico analysis supports that this missense variant does not alter protein structure/function; Has not been previously published as pathogenic or benign to our knowledge

Ambry Genetics
Classification: Likely benign for Hereditary cancer-predisposing syndrome. Last evaluated: 2023-04-07. Review status: criteria provided, single submitter. Criteria: Ambry Variant Classification Scheme 2023. Collection method: clinical testing. Allele origin: germline.

Sema4
Classification: Uncertain significance for Hereditary cancer-predisposing syndrome. Last evaluated: 2022-03-10. Review status: criteria provided, single submitter. Criteria: Sema4 Curation Guidelines. Collection method: curation. Allele origin: germline.
Comment: The MET c.4199G>A (p.R1400Q) variant has not been reported in the literature to our knowledge. This variant was observed in 5/34522 chromosomes in the Latino population, according to the Genome Aggregation Database (PMID: 32461654). The variant has been reported in ClinVar (Variation ID: 220057). Functional studies have not been performed, and in silico predictions of the variant's effect on protein function are inconclusive. The evidence is insufficient to meet ACMG/AMP criteria for classifying the variant as benign or pathogenic. Thus, the clinical significance of this variant is currently uncertain.

Department of Pathology and Laboratory Medicine, Sinai Health System
Classification: Uncertain significance for Hepatocellular carcinoma; Papillary renal cell carcinoma type 1; Osteofibrous dysplasia; Autosomal recessive nonsyndromic hearing loss 97; Arthrogryposis, distal, IIa 11. Last evaluated: 2021-11-24. Review status: criteria provided, single submitter. Criteria: ACMG Guidelines, 2015. Collection method: clinical testing. Allele origin: germline. Affected: yes.

NM_000245.4(MET):c.4145G>A (p.Arg1382Gln)

Gene: MET (MET proto-oncogene, receptor tyrosine kinase; plus strand). Cytogenetic location: 7q31.2.
Variant type: single nucleotide variant.
Coding change: c.4145G>A on transcript NM_000245.4 (MANE Select); coding-DNA position 4145, G replaced by A.
Protein change: p.Arg1382Gln; replaces arginine 1382 with glutamine.
Molecular consequence: missense variant.
Genome position (GRCh38, 1-based): chr7:116,796,096, G>A. VCF-style: chr7-116796096-G-A. GRCh37 (hg19) VCF-style: chr7-116436150-G-A.
Other names: c.4199G>A (LRG_662t1); c.4199G>A, p.Arg1400Gln (NM_001127500.3); c.2855G>A, p.Arg952Gln (NM_001324402.2); short protein forms R1400Q, R952Q, R1382Q.
Identifiers: ClinVar variation 220057 (VCV000220057.24), dbSNP rs752694306, ClinGen allele CA349710.